The following is an entry in ClinVar:

ClinVar aggregate classification (germline): Uncertain significance. Review status: criteria provided, multiple submitters, no conflicts (2 of 4 stars). 2 submissions from 2 submitters: Uncertain significance (2). Last evaluated 2025-08-14.

Conditions:
Inborn genetic diseases. Identifiers: MedGen C0950123, MeSH D030342.
Pulmonary fibrosis and/or bone marrow failure, Telomere-related, 3. Also called: PULMONARY FIBROSIS AND/OR BONE MARROW FAILURE SYNDROME, TELOMERE-RELATED, 3. Identifiers: Orphanet 2032, MedGen C4225346, MONDO:0014613, OMIM 616373.
Dyskeratosis congenita, autosomal recessive 5 (DKCB5). Identifiers: MedGen C3554656, MONDO:0014076, OMIM 615190.

Allele frequency attached by ClinVar (database versions not stated): gnomAD exomes 0.00001; ExAC 0.00004; gnomAD 0.00001; TOPMed 0.00001.
gnomAD v4.1: 18 of 1,612,520 alleles (0.0011%); highest among the groups gnomAD compares: Non-Finnish European, 0.0015%; no homozygotes.

Submissions (2):

Labcorp Genetics (formerly Invitae), Labcorp
Classification: Uncertain significance for Dyskeratosis congenita, autosomal recessive 5; Pulmonary fibrosis and/or bone marrow failure, Telomere-related, 3. Last evaluated: 2025-08-14. Review status: criteria provided, single submitter. Criteria: Invitae Variant Classification Sherloc (09022015). Collection method: clinical testing. Allele origin: germline.
Comment: This sequence change replaces alanine, which is neutral and non-polar, with glycine, which is neutral and non-polar, at codon 440 of the RTEL1 protein (p.Ala440Gly). This variant is present in population databases (rs767334623, gnomAD 0.005%). This variant has not been reported in the literature in individuals affected with RTEL1-related conditions. ClinVar contains an entry for this variant (Variation ID: 2159673). An algorithm developed to predict the effect of missense changes on protein structure and function (PolyPhen-2) suggests that this variant is likely to be tolerated. In summary, the available evidence is currently insufficient to determine the role of this variant in disease. Therefore, it has been classified as a Variant of Uncertain Significance.

Ambry Genetics
Classification: Uncertain significance for Inborn genetic diseases. Last evaluated: 2024-12-17. Review status: criteria provided, single submitter. Criteria: Ambry Variant Classification Scheme 2023. Collection method: clinical testing. Allele origin: germline.
Comment: The p.A440G variant (also known as c.1319C>G), located in coding exon 15 of the RTEL1 gene, results from a C to G substitution at nucleotide position 1319. The alanine at codon 440 is replaced by glycine, an amino acid with similar properties. This amino acid position is conserved. In addition, this alteration is predicted to be tolerated by in silico analysis. Based on the available evidence, the clinical significance of this variant remains unclear.

NM_001283009.2(RTEL1):c.1319C>G (p.Ala440Gly)

Genes: RTEL1 (regulator of telomere elongation helicase 1; plus strand), RTEL1-TNFRSF6B (RTEL1-TNFRSF6B readthrough (NMD candidate); plus strand). Cytogenetic location: 20q13.33.
Variant type: single nucleotide variant.
Coding change: c.1319C>G on transcript NM_001283009.2 (MANE Select); coding-DNA position 1319, C replaced by G.
Protein change: p.Ala440Gly; replaces alanine 440 with glycine.
Molecular consequence: missense variant. On other transcripts: non-coding transcript variant (1).
Genome position (GRCh38, 1-based): chr20:63,685,843, C>G. VCF-style: chr20-63685843-C-G. GRCh37 (hg19) VCF-style: chr20-62317196-C-G.
Other names: c.650C>G, p.Ala217Gly (NM_001283010.1); c.1319C>G, p.Ala440Gly (NM_016434.4); c.1391C>G, p.Ala464Gly (NM_032957.5); short protein forms A440G, A464G, A217G.
Identifiers: ClinVar variation 2159673 (VCV002159673.4), dbSNP rs767334623, ClinGen allele CA9964732.